The following is an entry in ClinVar:

ClinVar aggregate classification (germline): Likely benign. Review status: criteria provided, single submitter (1 of 4 stars). 2 submissions from 2 submitters: Likely benign (1). 1 of the submissions does not count toward it. Last evaluated 2024-03-07.

Conditions:
NEDD4L-related disorder. Also called: NEDD4L-related condition.

Allele frequency attached by ClinVar (database versions not stated): gnomAD exomes below 0.00001; ExAC 0.00001; gnomAD 0.00002; TOPMed 0.00002.
gnomAD v4.1: 5 of 1,613,708 alleles (0.00031%); highest among the groups gnomAD compares: African/African-American, 0.0053%; no homozygotes.

Submissions (2):

Labcorp Genetics (formerly Invitae), Labcorp
Classification: Likely benign. Last evaluated: 2024-03-07. Review status: criteria provided, single submitter. Criteria: Invitae Variant Classification Sherloc (09022015). Collection method: clinical testing. Allele origin: germline.

PreventionGenetics, part of Exact Sciences
Classification: Likely benign for NEDD4L-related condition. Last evaluated: 2024-09-16. Review status: no assertion criteria provided. Collection method: clinical testing. Allele origin: germline. Not counted in ClinVar's aggregate classification.
Comment: This variant is classified as likely benign based on ACMG/AMP sequence variant interpretation guidelines (Richards et al. 2015 PMID: 25741868, with internal and published modifications).

NM_001144967.3(NEDD4L):c.966T>C (p.Asn322=)

Gene: NEDD4L (NEDD4 like E3 ubiquitin protein ligase; plus strand). Cytogenetic location: 18q21.31.
Variant type: single nucleotide variant.
Coding change: c.966T>C on transcript NM_001144967.3 (MANE Select); coding-DNA position 966, T replaced by C.
Protein change: p.Asn322=; no amino-acid change (asparagine 322 retained).
Molecular consequence: synonymous variant.
Genome position (GRCh38, 1-based): chr18:58,330,890, T>C. VCF-style: chr18-58330890-T-C. GRCh37 (hg19) VCF-style: chr18-55998122-T-C.
Other names: c.966T>C (NM_015277.5); c.603T>C, p.Asn201= (NM_001144964.1, NM_001144965.2, NM_001144966.3 and 2 more transcripts); c.942T>C, p.Asn314= (NM_001144968.2, NM_001144969.2); c.966T>C, p.Asn322= (NM_001243960.2, NM_015277.6).
Identifiers: ClinVar variation 2901091 (VCV002901091.4), dbSNP rs772380860, ClinGen allele CA8975520.